The following is an entry in ClinVar:

ClinVar aggregate classification (germline): Uncertain significance. Review status: criteria provided, multiple submitters, no conflicts (2 of 4 stars). 2 submissions from 2 submitters: Uncertain significance (2). Last evaluated 2024-10-28.

Allele frequency attached by ClinVar (database versions not stated): gnomAD exomes 0.00002 and 0.00010; ExAC 0.00003; gnomAD 0.00012 and 0.00013; TOPMed 0.00015.
gnomAD v4.1: 46 of 1,612,876 alleles (0.0029%); highest among the groups gnomAD compares: Admixed American, 0.07%; no homozygotes.

Submissions (2):

Labcorp Genetics (formerly Invitae), Labcorp
Classification: Uncertain significance. Last evaluated: 2024-10-28. Review status: criteria provided, single submitter. Criteria: Invitae Variant Classification Sherloc (09022015). Collection method: clinical testing. Allele origin: germline.
Comment: This sequence change replaces alanine, which is neutral and non-polar, with glycine, which is neutral and non-polar, at codon 164 of the NFATC1 protein (p.Ala164Gly). This variant is present in population databases (rs780721421, gnomAD 0.07%), and has an allele count higher than expected for a pathogenic variant. This variant has not been reported in the literature in individuals affected with NFATC1-related conditions. ClinVar contains an entry for this variant (Variation ID: 1418890). An algorithm developed to predict the effect of missense changes on protein structure and function (PolyPhen-2) suggests that this variant is likely to be tolerated. In summary, the available evidence is currently insufficient to determine the role of this variant in disease. Therefore, it has been classified as a Variant of Uncertain Significance.

Ambry Genetics
Classification: Uncertain significance. Last evaluated: 2024-03-31. Review status: criteria provided, single submitter. Criteria: Ambry Variant Classification Scheme 2023. Collection method: clinical testing. Allele origin: germline.

NM_001278669.2(NFATC1):c.491C>G (p.Ala164Gly)

Gene: NFATC1 (nuclear factor of activated T cells 1; plus strand). Cytogenetic location: 18q23.
Variant type: single nucleotide variant.
Coding change: c.491C>G on transcript NM_001278669.2 (MANE Select); coding-DNA position 491, C replaced by G.
Protein change: p.Ala164Gly; replaces alanine 164 with glycine.
Molecular consequence: missense variant. On other transcripts: intron variant (2).
Genome position (GRCh38, 1-based): chr18:79,410,766, C>G. VCF-style: chr18-79410766-C-G. GRCh37 (hg19) VCF-style: chr18-77170766-C-G.
Other names: c.491C>G, p.Ala164Gly (NM_001278670.2, NM_006162.5, NM_172390.3); c.452C>G, p.Ala151Gly (NM_001278672.2, NM_001278675.2, NM_172387.3 and 1 more transcripts); c.-191+14415C>G (NM_172388.3); c.-191+10287C>G (NM_001278673.2); c.452C>G (NM_172387.1); short protein forms A151G, A164G.
Identifiers: ClinVar variation 1418890 (VCV001418890.7), dbSNP rs780721421, ClinGen allele CA9008840.